The following is an entry in ClinVar:

ClinVar aggregate classification (germline): Pathogenic. Review status: criteria provided, multiple submitters, no conflicts (2 of 4 stars). 3 submissions from 3 submitters: Pathogenic (2). 1 of the submissions does not count toward it. Last evaluated 2023-03-30.

Conditions:
Hereditary cancer-predisposing syndrome. Also called: Tumor predisposition; Hereditary neoplastic syndrome; Neoplastic Syndromes, Hereditary; Hereditary Cancer Syndrome. Identifiers: Orphanet 140162, MedGen C0027672, MeSH D009386, MONDO:0015356.
Familial cancer of breast. Also called: BREAST CANCER, FAMILIAL; hereditary breast carcinoma; Hereditary breast cancer. Identifiers: Orphanet 227535, MedGen C0346153, MONDO:0016419, OMIM 114480. Disease mechanism: loss of function.

Submissions (3):

Myriad Genetics, Inc.
Classification: Pathogenic for Familial cancer of breast. Last evaluated: 2023-03-30. Review status: criteria provided, single submitter. Criteria: Myriad Autosomal Dominant, Autosomal Recessive and X-Linked Classification Criteria (2023). Collection method: clinical testing. Allele origin: unknown.
Comment: This variant is considered pathogenic. This variant creates a frameshift predicted to result in premature protein truncation.

Ambry Genetics
Classification: Pathogenic for Hereditary cancer-predisposing syndrome. Last evaluated: 2022-07-27. Review status: criteria provided, single submitter. Criteria: Ambry Variant Classification Scheme 2023. Collection method: clinical testing. Allele origin: germline.
Comment: The c.1838delA pathogenic mutation, located in coding exon 5 of the PALB2 gene, results from a deletion of one nucleotide at nucleotide position 1838, causing a translational frameshift with a predicted alternate stop codon (p.Q613Rfs*15). This alteration was reported in a cohort of 152 unselected Czech patients with pancreatic ductal adenocarcinoma and not in 1226 healthy controls (Borecka M et al. Cancer Genet, 2016 May;209:199-204). This variant is considered to be rare based on population cohorts in the Genome Aggregation Database (gnomAD). In addition to the clinical data presented in the literature, this alteration is expected to result in loss of function by premature protein truncation or nonsense-mediated mRNA decay. As such, this alteration is interpreted as a disease-causing mutation.

Counsyl
Classification: Likely pathogenic for Familial cancer of breast. Last evaluated: 2016-09-26. Review status: no assertion criteria provided. Collection method: clinical testing. Allele origin: unknown. Not counted in ClinVar's aggregate classification.

Literature cited by the submitters: PubMed 27106063 (cited by Ambry Genetics and Counsyl).

NM_024675.4(PALB2):c.1838del (p.Gln613fs)

Gene: PALB2 (partner and localizer of BRCA2; minus strand). Cytogenetic location: 16p12.2.
Variant type: Deletion.
Coding change: c.1838del on transcript NM_024675.4 (MANE Select); coding-DNA position 1838, one base deleted (A; older notation c.1838delA).
Protein change: p.Gln613fs; shifts the reading frame from glutamine 613.
Molecular consequence: frameshift variant.
Genome position (GRCh38, 1-based): chr16:23,630,316, T deleted on the plus strand (A on the coding strand, the reverse complement: PALB2 is on the minus strand). VCF-style (leftmost placement, unchanged base first): chr16-23630315-CT-C. GRCh37 (hg19) VCF-style: chr16-23641636-CT-C.
Other names: c.1838delA (NM_024675.3); short protein forms Q613fs.
Identifiers: ClinVar variation 371976 (VCV000371976.7), dbSNP rs1057517602, ClinGen allele CA16042150.